The following is an entry in ClinVar:

NM_000511.6(FUT2):c.348C>T (p.Ser116=)

Genes: FUT2 (fucosyltransferase 2 (H blood group); plus strand), LOC105447645 (uncharacterized LOC105447645; minus strand). Cytogenetic location: 19q13.33.
Variant type: single nucleotide variant.
Coding change: c.348C>T on transcript NM_000511.6 (MANE Select); coding-DNA position 348, C replaced by T.
Protein change: p.Ser116=; no amino-acid change (serine 116 retained).
Molecular consequence: synonymous variant. On other transcripts: non-coding transcript variant (1).
Genome position (GRCh38, 1-based): chr19:48,703,304, C>T. VCF-style: chr19-48703304-C-T. GRCh37 (hg19) VCF-style: chr19-49206561-C-T.
Other names: c.348C>T, p.Ser116= (NM_001097638.3).
Identifiers: ClinVar variation 3039160 (VCV003039160.2), dbSNP rs28362836, ClinGen allele CA9556218.

ClinVar aggregate classification (germline): Benign (0 of 4 stars; one submission).

Conditions:
FUT2-related disorder. Also called: FUT2-related condition.

Allele frequency attached by ClinVar (database versions not stated): gnomAD exomes 0.00124; ExAC 0.00418; gnomAD 0.01288; 1000 Genomes Project 0.01338; TOPMed 0.01415; 1000 Genomes Project 30x 0.01452; ESP Exome Variant Server 0.01625.

Submission:

PreventionGenetics, part of Exact Sciences
Classification: Benign for FUT2-related condition. Last evaluated: 2019-04-10. Review status: no assertion criteria provided. Collection method: clinical testing. Allele origin: germline.
Comment: This variant is classified as benign based on ACMG/AMP sequence variant interpretation guidelines (Richards et al. 2015 PMID: 25741868, with internal and published modifications).